The following is an entry in ClinVar:

ClinVar aggregate classification (germline): Conflicting classifications of pathogenicity. Review status: criteria provided, conflicting classifications (1 of 4 stars). 5 submissions from 5 submitters: Uncertain significance (3); Likely benign (2). Last evaluated 2026-01-21.

Conditions:
Nemaline myopathy 2 (NEM2). Also called: Nemaline myopathy 2, autosomal recessive. Identifiers: MedGen C1850569, MONDO:0009725, OMIM 256030.
Inborn genetic diseases. Identifiers: MedGen C0950123, MeSH D030342.

Allele frequency attached by ClinVar (database versions not stated): ExAC 0.00003; gnomAD exomes 0.00004 and 0.00008; gnomAD 0.00007; TOPMed 0.00008.
gnomAD v4.1: 122 of 1,613,608 alleles (0.0076%); highest among the groups gnomAD compares: Non-Finnish European, 0.0097%; no homozygotes.

Submissions (5):

Labcorp Genetics (formerly Invitae), Labcorp
Classification: Likely benign for Nemaline myopathy 2. Last evaluated: 2026-01-21. Review status: criteria provided, single submitter. Criteria: Invitae Variant Classification Sherloc (09022015). Collection method: clinical testing. Allele origin: germline.

Ambry Genetics
Classification: Uncertain significance for Inborn genetic diseases. Last evaluated: 2025-04-01. Review status: criteria provided, single submitter. Criteria: Ambry Variant Classification Scheme 2023. Collection method: clinical testing. Allele origin: germline.

Revvity Omics, Revvity
Classification: Uncertain significance. Last evaluated: 2022-09-15. Review status: criteria provided, single submitter. Criteria: ACMG Guidelines, 2015. Collection method: clinical testing. Allele origin: germline.

Fulgent Genetics
Classification: Uncertain significance for Nemaline myopathy 2. Last evaluated: 2018-10-31. Review status: criteria provided, single submitter. Criteria: ACMG Guidelines, 2015. Collection method: clinical testing. Allele origin: unknown.

GeneDx
Classification: Likely benign. Last evaluated: 2018-03-08. Review status: criteria provided, single submitter. Criteria: GeneDx Variant Classification (06012015). Collection method: clinical testing. Allele origin: germline. Affected: yes.
Comment: This variant is considered likely benign or benign based on one or more of the following criteria: it is a conservative change, it occurs at a poorly conserved position in the protein, it is predicted to be benign by multiple in silico algorithms, and/or has population frequency not consistent with disease.

NM_001164508.2(NEB):c.20245C>A (p.Gln6749Lys)

Gene: NEB (nebulin; minus strand). Cytogenetic location: 2q23.3.
Variant type: single nucleotide variant.
Coding change: c.20245C>A on transcript NM_001164508.2 (MANE Select); coding-DNA position 20245, C replaced by A.
Protein change: p.Gln6749Lys; replaces glutamine 6749 with lysine.
Molecular consequence: missense variant.
Genome position (GRCh38, 1-based): chr2:151,547,651, G>T on the plus strand (C>A on the coding strand, the complement: NEB is on the minus strand). VCF-style: chr2-151547651-G-T. GRCh37 (hg19) VCF-style: chr2-152404165-G-T.
Other names: c.20245C>A, p.Gln6749Lys (NM_001164507.2, NM_001271208.2); c.15142C>A, p.Gln5048Lys (NM_004543.5); c.15142C>A (NM_004543.4); short protein forms Q6749K, Q5048K.
Identifiers: ClinVar variation 533973 (VCV000533973.12), dbSNP rs772854423, ClinGen allele CA1907383.